The following is an entry in ClinVar:

ClinVar aggregate classification (germline): Benign/Likely benign. Review status: criteria provided, multiple submitters, no conflicts (2 of 4 stars). 2 submissions from 2 submitters: Benign (1); Likely benign (1). Last evaluated 2024-10-29.

Conditions:
Prostate cancer, hereditary, 9 (HPC9). Identifiers: Orphanet 1331, MedGen C1970250, MONDO:0012597, OMIM 610997.
Hereditary cancer-predisposing syndrome. Also called: Neoplastic Syndromes, Hereditary; Tumor predisposition; Hereditary Cancer Syndrome; Hereditary neoplastic syndrome. Identifiers: Orphanet 140162, MedGen C0027672, MeSH D009386, MONDO:0015356.

Allele frequency attached by ClinVar (database versions not stated): gnomAD exomes below 0.00001.
gnomAD v4.1: 2 of 1,614,184 alleles (0.00012%); highest among the groups gnomAD compares: Non-Finnish European, 0.00017%; no homozygotes.

Submissions (2):

Myriad Genetics, Inc.
Classification: Benign for Prostate cancer, hereditary, 9. Last evaluated: 2024-10-29. Review status: criteria provided, single submitter. Criteria: Myriad Autosomal Dominant, Autosomal Recessive and X-Linked Classification Criteria (2023). Collection method: clinical testing. Allele origin: unknown.
Comment: This variant is considered benign. This variant is a silent/synonymous amino acid change and it is not expected to impact splicing.

Ambry Genetics
Classification: Likely benign for Hereditary cancer-predisposing syndrome. Last evaluated: 2020-03-02. Review status: criteria provided, single submitter. Criteria: Ambry Variant Classification Scheme 2023. Collection method: clinical testing. Allele origin: germline.

NM_006361.6(HOXB13):c.354A>G (p.Glu118=)

Gene: HOXB13 (homeobox B13; minus strand). Cytogenetic location: 17q21.32.
Variant type: single nucleotide variant.
Coding change: c.354A>G on transcript NM_006361.6 (MANE Select); coding-DNA position 354, A replaced by G.
Protein change: p.Glu118=; no amino-acid change (glutamic acid 118 retained).
Molecular consequence: synonymous variant.
Genome position (GRCh38, 1-based): chr17:48,728,240, T>C on the plus strand (A>G on the coding strand, the complement: HOXB13 is on the minus strand). VCF-style: chr17-48728240-T-C. GRCh37 (hg19) VCF-style: chr17-46805602-T-C.
Identifiers: ClinVar variation 1732553 (VCV001732553.3), dbSNP rs2509515235, ClinGen allele CA500661858.